The following is an entry in ClinVar:

ClinVar aggregate classification (germline): Uncertain significance. Review status: criteria provided, multiple submitters, no conflicts (2 of 4 stars). 2 submissions from 2 submitters: Uncertain significance (2). Last evaluated 2025-02-10.

Allele frequency attached by ClinVar (database versions not stated): TOPMed below 0.00001.

Submissions (2):

Labcorp Genetics (formerly Invitae), Labcorp
Classification: Uncertain significance. Last evaluated: 2025-02-10. Review status: criteria provided, single submitter. Criteria: Invitae Variant Classification Sherloc (09022015). Collection method: clinical testing. Allele origin: germline.
Comment: This sequence change replaces threonine, which is neutral and polar, with alanine, which is neutral and non-polar, at codon 90 of the MYH9 protein (p.Thr90Ala). This variant is not present in population databases (gnomAD no frequency). This variant has not been reported in the literature in individuals affected with MYH9-related conditions. ClinVar contains an entry for this variant (Variation ID: 1312645). Invitae Evidence Modeling of protein sequence and biophysical properties (such as structural, functional, and spatial information, amino acid conservation, physicochemical variation, residue mobility, and thermodynamic stability) indicates that this missense variant is not expected to disrupt MYH9 protein function with a negative predictive value of 80%. In summary, the available evidence is currently insufficient to determine the role of this variant in disease. Therefore, it has been classified as a Variant of Uncertain Significance.

GeneDx
Classification: Uncertain significance. Last evaluated: 2021-07-20. Review status: criteria provided, single submitter. Criteria: GeneDx Variant Classification Process June 2021. Collection method: clinical testing. Allele origin: germline. Affected: yes.
Comment: Not observed at significant frequency in large population cohorts (Lek et al., 2016); In silico analysis supports that this missense variant has a deleterious effect on protein structure/function; Has not been previously published as pathogenic or benign to our knowledge; This variant is associated with the following publications: (PMID: 27535533)

NM_002473.6(MYH9):c.268A>G (p.Thr90Ala)

Gene: MYH9 (myosin heavy chain 9; minus strand). Cytogenetic location: 22q12.3.
Variant type: single nucleotide variant.
Coding change: c.268A>G on transcript NM_002473.6 (MANE Select); coding-DNA position 268, A replaced by G.
Protein change: p.Thr90Ala; replaces threonine 90 with alanine.
Molecular consequence: missense variant.
Genome position (GRCh38, 1-based): chr22:36,348,969, T>C on the plus strand (A>G on the coding strand, the complement: MYH9 is on the minus strand). VCF-style: chr22-36348969-T-C. GRCh37 (hg19) VCF-style: chr22-36745014-T-C.
Other names: short protein forms T90A.
Identifiers: ClinVar variation 1312645 (VCV001312645.3), dbSNP rs2017724531, ClinGen allele CA411549162.